The following is an entry in ClinVar:

NM_017654.4(SAMD9):c.3098C>A (p.Thr1033Lys)

Gene: SAMD9 (sterile alpha motif domain containing 9; minus strand). Cytogenetic location: 7q21.2.
Variant type: single nucleotide variant.
Coding change: c.3098C>A on transcript NM_017654.4 (MANE Select); coding-DNA position 3098, C replaced by A.
Protein change: p.Thr1033Lys; replaces threonine 1033 with lysine.
Molecular consequence: missense variant.
Genome position (GRCh38, 1-based): chr7:93,103,000, G>T on the plus strand (C>A on the coding strand, the complement: SAMD9 is on the minus strand). VCF-style: chr7-93103000-G-T. GRCh37 (hg19) VCF-style: chr7-92732313-G-T.
Other names: c.3098C>A, p.Thr1033Lys (NM_001193307.2); short protein forms T1033K.
Identifiers: ClinVar variation 4843114 (VCV004843114.1).
Genomic context (GRCh38, chr7:93,103,000, plus strand): 5'-GGGGAAAACCAATTTCCTGTTTCACCTTCATGTTCATCGCGGTGTCTTGTGAGTAGGAGT[G>T]TGTGCATATCTTGCAAAAATTTACTTTTTCCCATACCAGTATCGAAGAACAAATTCTCAG-3'
Protein context (NP_060124.2, residues 1023-1043): GKSKFLQDMH[Thr1033Lys]LLLTRHRDEH

ClinVar aggregate classification (germline): Uncertain significance (1 of 4 stars; one submission).

Conditions:
Inborn genetic diseases. Identifiers: MedGen C0950123, MeSH D030342.

Submission:

Ambry Genetics
Classification: Uncertain significance for Inborn genetic diseases. Last evaluated: 2025-12-20. Review status: criteria provided, single submitter. Criteria: Ambry Variant Classification Scheme 2023. Collection method: clinical testing. Allele origin: germline.
Comment: The p.T1033K variant (also known as c.3098C>A), located in coding exon 1 of the SAMD9 gene, results from a C to A substitution at nucleotide position 3098. The threonine at codon 1033 is replaced by lysine, an amino acid with similar properties. This amino acid position is conserved. In addition, this alteration is predicted to be tolerated by in silico analysis. Based on the available evidence, the clinical significance of this variant remains unclear.